The following is an entry in ClinVar:

ClinVar aggregate classification (germline): Uncertain significance (1 of 4 stars; one submission).

Conditions:
Arrhythmogenic cardiomyopathy with wooly hair and keratoderma. Also called: PALMOPLANTAR KERATODERMA WITH LEFT VENTRICULAR CARDIOMYOPATHY AND WOOLLY HAIR; Carvajal syndrome; Dilated cardiomyopathy with woolly hair and keratoderma; Arrhythmogenic cardiomyopathy with woolly hair and keratoderma. Identifiers: Orphanet 65282, MedGen C1854063, MONDO:0011581, OMIM 605676.

Submission:

All of Us Research Program, National Institutes of Health
Classification: Uncertain significance for Arrhythmogenic cardiomyopathy with wooly hair and keratoderma. Last evaluated: 2023-05-04. Review status: criteria provided, single submitter. Criteria: ACMG Guidelines, 2015. Collection method: clinical testing. Allele origin: germline. Inheritance: Autosomal dominant inheritance. Observed: 1 variant allele, 1 heterozygote.
Comment: This missense variant replaces glutamic acid with alanine at codon 2050 of the DSP protein. Computational prediction suggests that this variant may have deleterious impact on protein structure and function (internally defined REVEL score threshold >= 0.7, PMID: 27666373). To our knowledge, functional studies have not been reported for this variant. This variant has not been reported in individuals affected with DSP-related disorders in the literature. This variant has not been identified in the general population by the Genome Aggregation Database (gnomAD). The available evidence is insufficient to determine the role of this variant in disease conclusively. Therefore, this variant is classified as a Variant of Uncertain Significance.

This study involves interpretation of variants in research participants for the purpose of population health screening. Participant phenotype was not available at the time of variant classification. Additional details can be found in publication PMID: 35346344, PMCID: PMC8962531

NM_004415.4(DSP):c.6149A>C (p.Glu2050Ala)

Gene: DSP (desmoplakin; plus strand). Cytogenetic location: 6p24.3.
Variant type: single nucleotide variant.
Coding change: c.6149A>C on transcript NM_004415.4 (MANE Select); coding-DNA position 6149, A replaced by C.
Protein change: p.Glu2050Ala; replaces glutamic acid 2050 with alanine.
Molecular consequence: missense variant.
Genome position (GRCh38, 1-based): chr6:7,583,411, A>C. VCF-style: chr6-7583411-A-C. GRCh37 (hg19) VCF-style: chr6-7583644-A-C.
Other names: c.4352A>C, p.Glu1451Ala (NM_001008844.3); c.4820A>C, p.Glu1607Ala (NM_001319034.2); short protein forms E1451A, E1607A, E2050A.
Identifiers: ClinVar variation 3070903 (VCV003070903.1), dbSNP rs2533939547, ClinGen allele CA362690182.
Genomic context (GRCh38, chr6:7,583,411, plus strand): 5'-CTTTGGTAGAGGCCAAGAGAAAGAAATTAATCAGCCCAGAATCCACAGTCATGCTTCTGG[A>C]GGCCCAGGCAGCTACAGGTGGTATAATTGATCCCCATCGGAATGAGAAGCTGACTGTCGA-3'
Protein context (NP_004406.2, residues 2040-2060): ISPESTVMLL[Glu2050Ala]AQAATGGIID